The following is an entry in ClinVar:

ClinVar aggregate classification (germline): Uncertain significance. Review status: criteria provided, multiple submitters, no conflicts (2 of 4 stars). 2 submissions from 2 submitters: Uncertain significance (2). Last evaluated 2026-01-22.

Conditions:
Hermansky-Pudlak syndrome 2 (HPS2). Also called: Platelet defects and oculocutaneous albinism. Identifiers: Orphanet 183678, Orphanet 79430, MedGen C1842362, MONDO:0011997, OMIM 608233.

Allele frequency attached by ClinVar (database versions not stated): TOPMed below 0.00001; gnomAD 0.00001.
gnomAD v4.1: 1 of 1,596,406 alleles (0.000063%); no homozygotes.

Submissions (2):

Women's Health and Genetics/Laboratory Corporation of America, LabCorp
Classification: Uncertain significance. Last evaluated: 2026-01-22. Review status: criteria provided, single submitter. Criteria: LabCorp Variant Classification Summary - May 2015. Collection method: clinical testing. Allele origin: germline.

Labcorp Genetics (formerly Invitae), Labcorp
Classification: Uncertain significance for Hermansky-Pudlak syndrome 2. Last evaluated: 2024-10-02. Review status: criteria provided, single submitter. Criteria: Invitae Variant Classification Sherloc (09022015). Collection method: clinical testing. Allele origin: germline.
Comment: This sequence change falls in intron 18 of the AP3B1 gene. It does not directly change the encoded amino acid sequence of the AP3B1 protein. It affects a nucleotide within the consensus splice site. This variant is not present in population databases (gnomAD no frequency). This variant has not been reported in the literature in individuals affected with AP3B1-related conditions. ClinVar contains an entry for this variant (Variation ID: 1494600). Variants that disrupt the consensus splice site are a relatively common cause of aberrant splicing (PMID: 17576681, 9536098). Algorithms developed to predict the effect of sequence changes on RNA splicing suggest that this variant may disrupt the consensus splice site. In summary, the available evidence is currently insufficient to determine the role of this variant in disease. Therefore, it has been classified as a Variant of Uncertain Significance.

Literature cited by the submitters: PubMed 17576681 (cited by Labcorp Genetics (formerly Invitae), Labcorp); PubMed 9536098 (cited by Labcorp Genetics (formerly Invitae), Labcorp).

NM_003664.5(AP3B1):c.2077+6T>C

Gene: AP3B1 (adaptor related protein complex 3 subunit beta 1; minus strand). Cytogenetic location: 5q14.1.
Variant type: single nucleotide variant.
Coding change: c.2077+6T>C on transcript NM_003664.5 (MANE Select); 6 bases into the intron after coding-DNA position 2077, T replaced by C.
Molecular consequence: intron variant.
Genome position (GRCh38, 1-based): chr5:78,116,120, A>G on the plus strand (T>C on the coding strand, the complement: AP3B1 is on the minus strand). VCF-style: chr5-78116120-A-G. GRCh37 (hg19) VCF-style: chr5-77411944-A-G.
Other names: c.1930+6T>C (NM_001271769.2).
Identifiers: ClinVar variation 1494600 (VCV001494600.7), dbSNP rs1432974932, ClinGen allele CA814217371.